The following is an entry in ClinVar:

ClinVar aggregate classification (germline): Benign/Likely benign. Review status: criteria provided, multiple submitters, no conflicts (2 of 4 stars). 7 submissions from 7 submitters: Benign (3); Likely benign (3). 1 of the submissions does not count toward it. Last evaluated 2026-09-01.

Conditions:
FAT4-related disorder. Also called: FAT4-related condition.

Allele frequency attached by ClinVar (database versions not stated): gnomAD exomes 0.00103; ExAC 0.00139; 1000 Genomes Project 0.00339; 1000 Genomes Project 30x 0.00344; gnomAD 0.00396 and 0.00426; TOPMed 0.00448; ESP Exome Variant Server 0.00592.
gnomAD v4.1: 1,236 of 1,613,932 alleles (0.077%); highest among the groups gnomAD compares: African/African-American, 1.4%; 13 homozygotes.

Submissions (7):

CeGaT Center for Human Genetics Tuebingen
Classification: Benign. Last evaluated: 2026-09-01. Review status: criteria provided, single submitter. Criteria: CeGaT Center For Human Genetics Tuebingen Variant Classification Criteria Version 2. Collection method: clinical testing. Allele origin: germline. Affected: yes. Observed: 7 variant alleles.
Comment: FAT4: BP4, BS1, BS2

Labcorp Genetics (formerly Invitae), Labcorp
Classification: Benign. Last evaluated: 2026-01-20. Review status: criteria provided, single submitter. Criteria: Invitae Variant Classification Sherloc (09022015). Collection method: clinical testing. Allele origin: germline.

Genomic Medicine Center of Excellence, King Faisal Specialist Hospital and Research Centre
Classification: Likely benign. Last evaluated: 2025-08-18. Review status: criteria provided, single submitter. Criteria: ACMG Guidelines, 2015. Collection method: clinical testing. Allele origin: germline.

GeneDx
Classification: Benign. Last evaluated: 2018-04-18. Review status: criteria provided, single submitter. Criteria: GeneDx Variant Classification (06012015). Collection method: clinical testing. Allele origin: germline. Affected: yes.
Comment: This variant is considered likely benign or benign based on one or more of the following criteria: it is a conservative change, it occurs at a poorly conserved position in the protein, it is predicted to be benign by multiple in silico algorithms, and/or has population frequency not consistent with disease.

Center for Pediatric Genomic Medicine, Children's Mercy Hospital and Clinics
Classification: Likely benign. Last evaluated: 2017-06-19. Review status: criteria provided, single submitter. Criteria: ACMG Guidelines, 2015. Collection method: clinical testing. Allele origin: germline.

Breakthrough Genomics
Classification: Likely benign. Review status: criteria provided, single submitter. Criteria: ACMG Guidelines, 2015. Collection method: not provided. Allele origin: germline. Inheritance: Autosomal recessive inheritance. Affected: yes.

PreventionGenetics, part of Exact Sciences
Classification: Likely benign for FAT4-related condition. Last evaluated: 2019-04-01. Review status: no assertion criteria provided. Collection method: clinical testing. Allele origin: germline. Not counted in ClinVar's aggregate classification.
Comment: This variant is classified as likely benign based on ACMG/AMP sequence variant interpretation guidelines (Richards et al. 2015 PMID: 25741868, with internal and published modifications).

NM_001291303.3(FAT4):c.6733G>A (p.Val2245Ile)

Gene: FAT4 (FAT atypical cadherin 4; plus strand). Cytogenetic location: 4q28.1.
Variant type: single nucleotide variant.
Coding change: c.6733G>A on transcript NM_001291303.3 (MANE Select); coding-DNA position 6733, G replaced by A.
Protein change: p.Val2245Ile; replaces valine 2245 with isoleucine.
Molecular consequence: missense variant.
Genome position (GRCh38, 1-based): chr4:125,415,696, G>A. VCF-style: chr4-125415696-G-A. GRCh37 (hg19) VCF-style: chr4-126336851-G-A.
Other names: c.6733G>A, p.Val2245Ile (NM_001291285.3, NM_024582.6); c.6733G>A (NM_024582.5); short protein forms V2245I.
Identifiers: ClinVar variation 445560 (VCV000445560.38), dbSNP rs112971995, ClinGen allele CA3072976.
Genomic context (GRCh38, chr4:125,415,696, plus strand): 5'-TACCATTTAACTGTTCAGGCAACAGATCGAGGCAGCACACCCAGAACTGATACCTCCACG[G>A]TCAGCATTGTTCTACTGGATATTAATGACTTTGTTCCTGTATTTGAGCTATCTCCATATT-3'
Protein context (NP_001278232.1, residues 2235-2255): GSTPRTDTST[Val2245Ile]SIVLLDINDF